The following is an entry in ClinVar:

ClinVar aggregate classification (germline): Uncertain significance. Review status: criteria provided, multiple submitters, no conflicts (2 of 4 stars). 3 submissions from 3 submitters: Uncertain significance (3). Last evaluated 2025-03-30.

Conditions:
Myopathy, centronuclear, 5 (CNM5). Identifiers: Orphanet 169186, MedGen C4014814, MONDO:0014418, OMIM 615959.
Inborn genetic diseases. Identifiers: MedGen C0950123, MeSH D030342.

Allele frequency attached by ClinVar (database versions not stated): gnomAD exomes 0.00001; TOPMed 0.00001; ExAC 0.00001.

Submissions (3):

Ambry Genetics
Classification: Uncertain significance for Inborn genetic diseases. Last evaluated: 2025-03-30. Review status: criteria provided, single submitter. Criteria: Ambry Variant Classification Scheme 2023. Collection method: clinical testing. Allele origin: germline.

Revvity Omics, Revvity
Classification: Uncertain significance for Myopathy, centronuclear, 5. Last evaluated: 2024-09-30. Review status: criteria provided, single submitter. Criteria: ACMG Guidelines, 2015. Collection method: clinical testing. Allele origin: germline.

Labcorp Genetics (formerly Invitae), Labcorp
Classification: Uncertain significance. Last evaluated: 2022-04-24. Review status: criteria provided, single submitter. Criteria: Invitae Variant Classification Sherloc (09022015). Collection method: clinical testing. Allele origin: germline.
Comment: This variant is present in population databases (rs769975549, gnomAD 0.01%). This sequence change replaces proline, which is neutral and non-polar, with leucine, which is neutral and non-polar, at codon 1289 of the SPEG protein (p.Pro1289Leu). This variant has not been reported in the literature in individuals affected with SPEG-related conditions. Algorithms developed to predict the effect of missense changes on protein structure and function are either unavailable or do not agree on the potential impact of this missense change (SIFT: "Deleterious"; PolyPhen-2: "Probably Damaging"; Align-GVGD: "Class C0"). In summary, the available evidence is currently insufficient to determine the role of this variant in disease. Therefore, it has been classified as a Variant of Uncertain Significance.

NM_005876.5(SPEG):c.3866C>T (p.Pro1289Leu)

Gene: SPEG (striated muscle enriched protein kinase; plus strand). Cytogenetic location: 2q35.
Variant type: single nucleotide variant.
Coding change: c.3866C>T on transcript NM_005876.5 (MANE Select); coding-DNA position 3866, C replaced by T.
Protein change: p.Pro1289Leu; replaces proline 1289 with leucine.
Molecular consequence: missense variant.
Genome position (GRCh38, 1-based): chr2:219,472,257, C>T. VCF-style: chr2-219472257-C-T. GRCh37 (hg19) VCF-style: chr2-220336979-C-T.
Other names: c.3866C>T (NM_005876.4); short protein forms P1289L.
Identifiers: ClinVar variation 2067921 (VCV002067921.6), dbSNP rs769975549, ClinGen allele CA2126320.